The following is an entry in ClinVar:

ClinVar aggregate classification (germline): Uncertain significance (1 of 4 stars; one submission).

Conditions:
Early-infantile DEE. Also called: Early infantile epileptic encephalopathy with suppression bursts; Early infantile epileptic encephalopathy; Ohtahara syndrome. Identifiers: Orphanet 1934, MedGen C0393706, MONDO:0800491.

Allele frequency attached by ClinVar (database versions not stated): TOPMed 0.00001.

Submission:

Labcorp Genetics (formerly Invitae), Labcorp
Classification: Uncertain significance for Early-infantile DEE. Last evaluated: 2023-10-13. Review status: criteria provided, single submitter. Criteria: Invitae Variant Classification Sherloc (09022015). Collection method: clinical testing. Allele origin: germline.
Comment: This sequence change replaces glycine, which is neutral and non-polar, with arginine, which is basic and polar, at codon 502 of the ARHGEF15 protein (p.Gly502Arg). This variant is not present in population databases (gnomAD no frequency). This variant has not been reported in the literature in individuals affected with ARHGEF15-related conditions. An algorithm developed to predict the effect of missense changes on protein structure and function (PolyPhen-2) suggests that this variant is likely to be disruptive. In summary, the available evidence is currently insufficient to determine the role of this variant in disease. Therefore, it has been classified as a Variant of Uncertain Significance.

NM_173728.4(ARHGEF15):c.1504G>A (p.Gly502Arg)

Gene: ARHGEF15 (Rho guanine nucleotide exchange factor 15; plus strand). Cytogenetic location: 17p13.1.
Variant type: single nucleotide variant.
Coding change: c.1504G>A on transcript NM_173728.4 (MANE Select); coding-DNA position 1504, G replaced by A.
Protein change: p.Gly502Arg; replaces glycine 502 with arginine.
Molecular consequence: missense variant.
Genome position (GRCh38, 1-based): chr17:8,315,837, G>A. VCF-style: chr17-8315837-G-A. GRCh37 (hg19) VCF-style: chr17-8219155-G-A.
Other names: c.1504G>A, p.Gly502Arg (NM_025014.2); short protein forms G502R.
Identifiers: ClinVar variation 2716764 (VCV002716764.3), dbSNP rs1904988911, ClinGen allele CA398020774.